The following is an entry in ClinVar:

ClinVar aggregate classification (germline): Uncertain significance (1 of 4 stars; one submission).

Conditions:
Retinoblastoma (RB1). Also called: RETINOBLASTOMA, SOMATIC. Identifiers: Orphanet 790, MedGen C0035335, MeSH D012175, MONDO:0008380, OMIM 180200, HP:0009919. Disease mechanism: loss of function. Inheritance: Both sporadic and heritable forms are tested..

gnomAD v4.1: 3 of 1,499,326 alleles (0.0002%); highest among the groups gnomAD compares: African/African-American, 0.0029%; no homozygotes.

Submission:

Labcorp Genetics (formerly Invitae), Labcorp
Classification: Uncertain significance for Retinoblastoma. Last evaluated: 2025-04-23. Review status: criteria provided, single submitter. Criteria: Invitae Variant Classification Sherloc (09022015). Collection method: clinical testing. Allele origin: germline.
Comment: This sequence change replaces proline, which is neutral and non-polar, with serine, which is neutral and polar, at codon 24 of the RB1 protein (p.Pro24Ser). This variant is not present in population databases (gnomAD no frequency). This variant has not been reported in the literature in individuals affected with RB1-related conditions. Invitae Evidence Modeling of protein sequence and biophysical properties (such as structural, functional, and spatial information, amino acid conservation, physicochemical variation, residue mobility, and thermodynamic stability) has been performed for this missense variant. However, the output from this modeling did not meet the statistical confidence thresholds required to predict the impact of this variant on RB1 protein function. In summary, the available evidence is currently insufficient to determine the role of this variant in disease. Therefore, it has been classified as a Variant of Uncertain Significance.

NM_000321.3(RB1):c.70C>T (p.Pro24Ser)

Gene: RB1 (RB transcriptional corepressor 1; plus strand). Cytogenetic location: 13q14.2.
Variant type: single nucleotide variant.
Coding change: c.70C>T on transcript NM_000321.3 (MANE Select); coding-DNA position 70, C replaced by T.
Protein change: p.Pro24Ser; replaces proline 24 with serine.
Molecular consequence: missense variant.
Genome position (GRCh38, 1-based): chr13:48,303,982, C>T. VCF-style: chr13-48303982-C-T. GRCh37 (hg19) VCF-style: chr13-48878118-C-T.
Other names: c.70C>T, p.Pro24Ser (NM_001407165.1, NM_001407166.1, NM_001407167.1); short protein forms P24S.
Identifiers: ClinVar variation 4721910 (VCV004721910.1).